The following is an entry in ClinVar:

ClinVar aggregate classification (germline): Uncertain significance (1 of 4 stars; one submission).

Conditions:
Cardiovascular phenotype. Identifiers: MedGen CN230736.

Submission:

Ambry Genetics
Classification: Uncertain significance for Cardiovascular phenotype. Last evaluated: 2023-02-16. Review status: criteria provided, single submitter. Criteria: Ambry Variant Classification Scheme 2023. Collection method: clinical testing. Allele origin: germline.
Comment: The p.D3540Y variant (also known as c.10618G>T), located in coding exon 2 of the ZNF469 gene, results from a G to T substitution at nucleotide position 10618. The aspartic acid at codon 3540 is replaced by tyrosine, an amino acid with highly dissimilar properties. This amino acid position is conserved. In addition, this alteration is predicted to be tolerated by in silico analysis. Since supporting evidence is limited at this time, the clinical significance of this alteration remains unclear.

NM_001367624.2(ZNF469):c.10702G>T (p.Asp3568Tyr)

Gene: ZNF469 (zinc finger protein 469; plus strand). Cytogenetic location: 16q24.2.
Variant type: single nucleotide variant.
Coding change: c.10702G>T on transcript NM_001367624.2 (MANE Select); coding-DNA position 10702, G replaced by T.
Protein change: p.Asp3568Tyr; replaces aspartic acid 3568 with tyrosine.
Molecular consequence: missense variant.
Genome position (GRCh38, 1-based): chr16:88,438,172, G>T. VCF-style: chr16-88438172-G-T. GRCh37 (hg19) VCF-style: chr16-88504580-G-T.
Other names: NM_001127464.1:c.10618G>T; short protein forms D3568Y.
Identifiers: ClinVar variation 2449508 (VCV002449508.2), dbSNP rs753228322, ClinGen allele CA397127524.